The following is an entry in ClinVar:

ClinVar aggregate classification (germline): Likely benign (0 of 4 stars; one submission).

Conditions:
EIF4A2-related disorder. Also called: EIF4A2-related condition.

gnomAD v4.1: 25 of 1,613,734 alleles (0.0015%); highest among the groups gnomAD compares: East Asian, 0.0022%; no homozygotes.

Submission:

PreventionGenetics, part of Exact Sciences
Classification: Likely benign for EIF4A2-related condition. Last evaluated: 2019-03-08. Review status: no assertion criteria provided. Collection method: clinical testing. Allele origin: germline.
Comment: This variant is classified as likely benign based on ACMG/AMP sequence variant interpretation guidelines (Richards et al. 2015 PMID: 25741868, with internal and published modifications).

NM_001967.4(EIF4A2):c.1128T>C (p.Phe376=)

Gene: EIF4A2 (eukaryotic translation initiation factor 4A2; plus strand). Cytogenetic location: 3q27.3.
Variant type: single nucleotide variant.
Coding change: c.1128T>C on transcript NM_001967.4 (MANE Select); coding-DNA position 1128, T replaced by C.
Protein change: p.Phe376=; no amino-acid change (phenylalanine 376 retained).
Molecular consequence: synonymous variant.
Genome position (GRCh38, 1-based): chr3:186,789,173, T>C. VCF-style: chr3-186789173-T-C. GRCh37 (hg19) VCF-style: chr3-186506962-T-C.
Identifiers: ClinVar variation 3353118 (VCV003353118.1).